The following is an entry in ClinVar:

NM_001025389.2(AMPD3):c.*1585G>A

Gene: AMPD3 (adenosine monophosphate deaminase 3; plus strand). Cytogenetic location: 11p15.4.
Variant type: single nucleotide variant.
Coding change: c.*1585G>A on transcript NM_001025389.2 (MANE Select); 1585 bases downstream of the stop codon, G replaced by A.
Molecular consequence: 3 prime UTR variant.
Genome position (GRCh38, 1-based): chr11:10,507,469, G>A. VCF-style: chr11-10507469-G-A. GRCh37 (hg19) VCF-style: chr11-10529016-G-A.
Other names: c.*1585G>A (NM_000480.3, NM_001025390.2, NM_001172430.1 and 1 more transcripts).
Identifiers: ClinVar variation 302190 (VCV000302190.6), dbSNP rs1545743, ClinGen allele CA10629763.

ClinVar aggregate classification (germline): Benign. Review status: criteria provided, multiple submitters, no conflicts (2 of 4 stars). 2 submissions from 2 submitters: Benign (2). Last evaluated 2018-01-12.

Conditions:
Erythrocyte AMP deaminase deficiency. Identifiers: Orphanet 45, MedGen C2752073, OMIM 612874, MONDO:0020734.

Allele frequency attached by ClinVar (database versions not stated): 1000 Genomes Project 0.99401; gnomAD 0.99508 and 0.99471; 1000 Genomes Project 30x 0.99360; gnomAD exomes 1.00000; TOPMed 0.99434.

Submissions (2):

Illumina Laboratory Services, Illumina
Classification: Benign for Erythrocyte AMP deaminase deficiency. Last evaluated: 2018-01-12. Review status: criteria provided, single submitter. Criteria: ICSL Variant Classification Criteria 13 December 2019. Collection method: clinical testing. Allele origin: germline.
Comment: This variant was observed in the ICSL laboratory as part of a predisposition screen in an ostensibly healthy population. It had not been previously curated by ICSL or reported in the Human Gene Mutation Database (HGMD: prior to June 1st, 2018), and was therefore a candidate for classification through an automated scoring system. Utilizing variant allele frequency, disease prevalence and penetrance estimates, and inheritance mode, an automated score was calculated to assess if this variant is too frequent to cause the disease. Based on the score and internal cut-off values, a variant classified as benign is not then subjected to further curation. The score for this variant resulted in a classification of benign for this disease.

Breakthrough Genomics
Classification: Benign. Review status: criteria provided, single submitter. Criteria: ACMG Guidelines, 2015. Collection method: not provided. Allele origin: germline. Inheritance: Autosomal recessive inheritance. Affected: yes.